The following is an entry in ClinVar:

ClinVar aggregate classification (germline): Uncertain significance. Review status: criteria provided, multiple submitters, no conflicts (2 of 4 stars). 2 submissions from 2 submitters: Uncertain significance (2). Last evaluated 2022-10-21.

Conditions:
Hereditary cancer-predisposing syndrome. Also called: Neoplastic Syndromes, Hereditary; Tumor predisposition; Hereditary Cancer Syndrome; Hereditary neoplastic syndrome. Identifiers: Orphanet 140162, MedGen C0027672, MeSH D009386, MONDO:0015356.
Familial adenomatous polyposis 1 (FAP1). Also called: FAMILIAL ADENOMATOUS POLYPOSIS 1, ATTENUATED; POLYPOSIS, ADENOMATOUS INTESTINAL. Identifiers: MedGen C2713442, MONDO:0021056, OMIM 175100. Disease mechanism: loss of function.

Allele frequency attached by ClinVar (database versions not stated): gnomAD exomes below 0.00001.
gnomAD v4.1: 1 of 1,613,354 alleles (0.000062%); highest among the groups gnomAD compares: Non-Finnish European, 0.000085%; no homozygotes.

Submissions (2):

Labcorp Genetics (formerly Invitae), Labcorp
Classification: Uncertain significance for Familial adenomatous polyposis 1. Last evaluated: 2022-10-21. Review status: criteria provided, single submitter. Criteria: Invitae Variant Classification Sherloc (09022015). Collection method: clinical testing. Allele origin: germline.
Comment: This sequence change replaces lysine, which is basic and polar, with asparagine, which is neutral and polar, at codon 2139 of the APC protein (p.Lys2139Asn). This variant is not present in population databases (gnomAD no frequency). This variant has not been reported in the literature in individuals affected with APC-related conditions. Advanced modeling of protein sequence and biophysical properties (such as structural, functional, and spatial information, amino acid conservation, physicochemical variation, residue mobility, and thermodynamic stability) performed at Invitae indicates that this missense variant is not expected to disrupt APC protein function. In summary, the available evidence is currently insufficient to determine the role of this variant in disease. Therefore, it has been classified as a Variant of Uncertain Significance.

Ambry Genetics
Classification: Uncertain significance for Hereditary cancer-predisposing syndrome. Last evaluated: 2021-08-06. Review status: criteria provided, single submitter. Criteria: Ambry Variant Classification Scheme 2023. Collection method: clinical testing. Allele origin: germline.
Comment: The p.K2139N variant (also known as c.6417A>C), located in coding exon 15 of the APC gene, results from an A to C substitution at nucleotide position 6417. The lysine at codon 2139 is replaced by asparagine, an amino acid with similar properties. This amino acid position is highly conserved in available vertebrate species. In addition, in silico predictors for this gene do not accurately predict pathogenicity. Since supporting evidence is limited at this time, the clinical significance of this alteration remains unclear.

NM_000038.6(APC):c.6417A>C (p.Lys2139Asn)

Gene: APC (APC regulator of Wnt signaling pathway; plus strand). Cytogenetic location: 5q22.2.
Variant type: single nucleotide variant.
Coding change: c.6417A>C on transcript NM_000038.6 (MANE Select); coding-DNA position 6417, A replaced by C.
Protein change: p.Lys2139Asn; replaces lysine 2139 with asparagine.
Molecular consequence: missense variant.
Genome position (GRCh38, 1-based): chr5:112,842,011, A>C. VCF-style: chr5-112842011-A-C. GRCh37 (hg19) VCF-style: chr5-112177708-A-C.
Other names: c.6417A>C, p.Lys2139Asn (NM_001127510.3, NM_001354895.2, NM_001407450.1); c.6363A>C, p.Lys2121Asn (NM_001127511.3); c.6471A>C, p.Lys2157Asn (NM_001354896.2, NM_001407447.1, NM_001407448.1 and 1 more transcripts); c.6447A>C, p.Lys2149Asn (NM_001354897.2); c.6342A>C, p.Lys2114Asn (NM_001354898.2); c.6333A>C, p.Lys2111Asn (NM_001354899.2); c.6294A>C, p.Lys2098Asn (NM_001354900.2); c.6240A>C, p.Lys2080Asn (NM_001354901.2, NM_001407453.1); and 11 more; short protein forms K1755N, K1856N, K2013N, K2038N, K2098N, K2121N, K2139N, K1979N.
Identifiers: ClinVar variation 1753410 (VCV001753410.4), dbSNP rs2149964395, ClinGen allele CA16035377.
Genomic context (GRCh38, chr5:112,842,011, plus strand): 5'-TGCTGCTGCATGTTTATCTAGACAAGCTTCGTCTGATTCAGATTCCATCCTTTCCCTGAA[A>C]TCAGGAATCTCTCTGGGATCACCATTTCATCTTACACCTGATCAAGAAGAAAAACCCTTT-3'
Protein context (NP_000029.2, residues 2129-2149): SSDSDSILSL[Lys2139Asn]SGISLGSPFH